The following is an entry in ClinVar:

ClinVar aggregate classification (germline): Uncertain significance. Review status: criteria provided, multiple submitters, no conflicts (2 of 4 stars). 2 submissions from 2 submitters: Uncertain significance (2). Last evaluated 2025-12-30.

Conditions:
NCOA1-related disorder. Also called: NCOA1-related condition.

Allele frequency attached by ClinVar (database versions not stated): gnomAD exomes 0.00001; ESP Exome Variant Server 0.00023; ExAC 0.00003; gnomAD 0.00009; TOPMed 0.00013.

Submissions (2):

PreventionGenetics, part of Exact Sciences
Classification: Uncertain significance for NCOA1-related condition. Last evaluated: 2025-12-30. Review status: criteria provided, single submitter. Criteria: ACMG Guidelines, 2015. Collection method: clinical testing. Allele origin: germline.
Comment: The NCOA1 c.3709A>G variant is predicted to result in the amino acid substitution p.Met1237Val. To our knowledge, this variant has not been reported in the literature. This variant is reported in 0.044% of alleles in individuals of African descent in gnomAD. At this time, the clinical significance of this variant is uncertain due to the absence of conclusive functional and genetic evidence.

Ambry Genetics
Classification: Uncertain significance. Last evaluated: 2025-11-20. Review status: criteria provided, single submitter. Criteria: Ambry Variant Classification Scheme 2023. Collection method: clinical testing. Allele origin: germline.

NM_003743.5(NCOA1):c.3709A>G (p.Met1237Val)

Gene: NCOA1 (nuclear receptor coactivator 1; plus strand). Cytogenetic location: 2p23.3.
Variant type: single nucleotide variant.
Coding change: c.3709A>G on transcript NM_003743.5 (MANE Select); coding-DNA position 3709, A replaced by G.
Protein change: p.Met1237Val; replaces methionine 1237 with valine.
Molecular consequence: missense variant.
Genome position (GRCh38, 1-based): chr2:24,751,984, A>G. VCF-style: chr2-24751984-A-G. GRCh37 (hg19) VCF-style: chr2-24974853-A-G.
Other names: c.3709A>G, p.Met1237Val (NM_001362950.1, NM_001362952.1, NM_001362954.1 and 3 more transcripts); short protein forms M1237V.
Identifiers: ClinVar variation 2614480 (VCV002614480.7), dbSNP rs145739551, ClinGen allele CA1552698.